The following is an entry in ClinVar:

NM_020822.3(KCNT1):c.38T>C (p.Val13Ala)

Gene: KCNT1 (potassium sodium-activated channel subfamily T member 1; plus strand). Cytogenetic location: 9q34.3.
Variant type: single nucleotide variant.
Coding change: c.38T>C on transcript NM_020822.3 (MANE Select); coding-DNA position 38, T replaced by C.
Protein change: p.Val13Ala; replaces valine 13 with alanine.
Molecular consequence: missense variant.
Genome position (GRCh38, 1-based): chr9:135,702,296, T>C. VCF-style: chr9-135702296-T-C. GRCh37 (hg19) VCF-style: chr9-138594142-T-C.
Other names: c.38T>C, p.Val13Ala (NM_001272003.2); short protein forms V13A.
Identifiers: ClinVar variation 540575 (VCV000540575.11), dbSNP rs764111643, ClinGen allele CA5326228.

ClinVar aggregate classification (germline): Uncertain significance (1 of 4 stars; one submission).

Conditions:
Autosomal dominant nocturnal frontal lobe epilepsy 5. Also called: Epilepsy, nocturnal frontal lobe, 5; KCNT1-Related Epilepsy; CILIARY DYSKINESIA, PRIMARY, 28, WITHOUT SITUS INVERSUS; CILIARY DYSKINESIA, PRIMARY, 28, WITH SITUS INVERSUS. Identifiers: Orphanet 98784, MedGen C3554306, MONDO:0014002, OMIM 615005.
Developmental and epileptic encephalopathy, 14 (DEE14). Also called: Early infantile epileptic encephalopathy 14. Identifiers: Orphanet 293181, MedGen C3554195, MONDO:0013989, OMIM 614959.

Allele frequency attached by ClinVar (database versions not stated): gnomAD exomes below 0.00001; ExAC 0.00001.
gnomAD v4.1: 7 of 1,608,738 alleles (0.00044%); highest among the groups gnomAD compares: Non-Finnish European, 0.00059%; no homozygotes.

Submission:

Labcorp Genetics (formerly Invitae), Labcorp
Classification: Uncertain significance for Autosomal dominant nocturnal frontal lobe epilepsy 5; Developmental and epileptic encephalopathy, 14. Last evaluated: 2020-01-24. Review status: criteria provided, single submitter. Criteria: Invitae Variant Classification Sherloc (09022015). Collection method: clinical testing. Allele origin: germline.
Comment: This variant has not been reported in the literature in individuals with KCNT1-related disease. Algorithms developed to predict the effect of missense changes on protein structure and function (SIFT, PolyPhen-2, Align-GVGD) all suggest that this variant is likely to be tolerated, but these predictions have not been confirmed by published functional studies and their clinical significance is uncertain. This sequence change replaces valine with alanine at codon 13 of the KCNT1 protein (p.Val13Ala). The valine residue is weakly conserved and there is a small physicochemical difference between valine and alanine. This variant is present in population databases (rs764111643, ExAC 0.002%). In summary, the available evidence is currently insufficient to determine the role of this variant in disease. Therefore, it has been classified as a Variant of Uncertain Significance.